The following is an entry in ClinVar:

ClinVar aggregate classification (germline): Uncertain significance (1 of 4 stars; one submission).

Conditions:
Blau syndrome (BLAUS). Also called: ARTHROCUTANEOUVEAL GRANULOMATOSIS; GRANULOMATOSIS, FAMILIAL JUVENILE SYSTEMIC; GRANULOMATOSIS, FAMILIAL, BLAU TYPE; GRANULOMATOUS INFLAMMATORY ARTHRITIS, DERMATITIS, AND UVEITIS, FAMILIAL; JABS SYNDROME. Identifiers: Orphanet 90340, MedGen C5201146, MONDO:0008523, OMIM 186580.
Regional enteritis. Also called: Enteritis, Granulomatous. Identifiers: MedGen C0678202, MeSH D003424.

Allele frequency attached by ClinVar (database versions not stated): gnomAD exomes below 0.00001.
gnomAD v4.1: 1 of 1,614,192 alleles (0.000062%); highest among the groups gnomAD compares: African/African-American, 0.0013%; no homozygotes.

Submission:

Labcorp Genetics (formerly Invitae), Labcorp
Classification: Uncertain significance for Regional enteritis; Blau syndrome. Last evaluated: 2023-08-31. Review status: criteria provided, single submitter. Criteria: Invitae Variant Classification Sherloc (09022015). Collection method: clinical testing. Allele origin: germline.
Comment: In summary, the available evidence is currently insufficient to determine the role of this variant in disease. Therefore, it has been classified as a Variant of Uncertain Significance. This sequence change replaces threonine, which is neutral and polar, with alanine, which is neutral and non-polar, at codon 253 of the NOD2 protein (p.Thr253Ala). This variant is not present in population databases (gnomAD no frequency). This variant has not been reported in the literature in individuals affected with NOD2-related conditions. Advanced modeling of protein sequence and biophysical properties (such as structural, functional, and spatial information, amino acid conservation, physicochemical variation, residue mobility, and thermodynamic stability) performed at Invitae indicates that this missense variant is not expected to disrupt NOD2 protein function.

NM_001370466.1(NOD2):c.676A>G (p.Thr226Ala)

Gene: NOD2 (nucleotide binding oligomerization domain containing 2; plus strand). Cytogenetic location: 16q12.1.
Variant type: single nucleotide variant.
Coding change: c.676A>G on transcript NM_001370466.1 (MANE Select); coding-DNA position 676, A replaced by G.
Protein change: p.Thr226Ala; replaces threonine 226 with alanine.
Molecular consequence: missense variant. On other transcripts: non-coding transcript variant (1).
Genome position (GRCh38, 1-based): chr16:50,710,668, A>G. VCF-style: chr16-50710668-A-G. GRCh37 (hg19) VCF-style: chr16-50744579-A-G.
Other names: c.676A>G, p.Thr226Ala (NM_001293557.2); c.757A>G, p.Thr253Ala (NM_022162.3); short protein forms T226A, T253A.
Identifiers: ClinVar variation 2951478 (VCV002951478.3), dbSNP rs946242202, ClinGen allele CA281261464.
Genomic context (GRCh38, chr16:50,710,668, plus strand): 5'-CAGTCTCGCTTCCTCAGTACCTATGATGGAGCAGAGACGCTCTGCCTGGAGGACATATAC[A>G]CAGAGAATGTCCTGGAGGTCTGGGCAGATGTGGGCATGGCTGGACCCCCGCAGAAGAGCC-3'
Protein context (NP_001357395.1, residues 216-236): AETLCLEDIY[Thr226Ala]ENVLEVWADV